The following is an entry in ClinVar:

ClinVar aggregate classification (germline): Uncertain significance. Review status: criteria provided, multiple submitters, no conflicts (2 of 4 stars). 3 submissions from 3 submitters: Uncertain significance (3). Last evaluated 2024-11-22.

Conditions:
Inborn genetic diseases. Identifiers: MedGen C0950123, MeSH D030342.

Allele frequency attached by ClinVar (database versions not stated): gnomAD 0.00001 and 0.00002; ESP Exome Variant Server 0.00016.
gnomAD v4.1: 27 of 1,611,518 alleles (0.0017%); highest among the groups gnomAD compares: Admixed American, 0.022%; no homozygotes.

Submissions (3):

Labcorp Genetics (formerly Invitae), Labcorp
Classification: Uncertain significance. Last evaluated: 2024-11-22. Review status: criteria provided, single submitter. Criteria: Invitae Variant Classification Sherloc (09022015). Collection method: clinical testing. Allele origin: germline.
Comment: This sequence change replaces glycine, which is neutral and non-polar, with valine, which is neutral and non-polar, at codon 1722 of the ITPR1 protein (p.Gly1722Val). This variant is present in population databases (rs200004069, gnomAD 0.03%). This variant has not been reported in the literature in individuals affected with ITPR1-related conditions. ClinVar contains an entry for this variant (Variation ID: 1326252). An algorithm developed to predict the effect of missense changes on protein structure and function (PolyPhen-2) suggests that this variant is likely to be tolerated. In summary, the available evidence is currently insufficient to determine the role of this variant in disease. Therefore, it has been classified as a Variant of Uncertain Significance.

Ambry Genetics
Classification: Uncertain significance for Inborn genetic diseases. Last evaluated: 2024-06-17. Review status: criteria provided, single submitter. Criteria: Ambry Variant Classification Scheme 2023. Collection method: clinical testing. Allele origin: germline.

GeneDx
Classification: Uncertain significance. Last evaluated: 2021-05-17. Review status: criteria provided, single submitter. Criteria: GeneDx Variant Classification Process June 2021. Collection method: clinical testing. Allele origin: germline. Affected: yes.
Comment: In silico analysis supports that this missense variant does not alter protein structure/function; In-silico analysis, which includes splice predictors and evolutionary conservation, is inconclusive as to whether the variant alters gene splicing. In the absence of RNA/functional studies, the actual effect of this sequence change is unknown.; Has not been previously published as pathogenic or benign to our knowledge

NM_001378452.1(ITPR1):c.5354G>T (p.Gly1785Val)

Gene: ITPR1 (inositol 1,4,5-trisphosphate receptor type 1; plus strand). Cytogenetic location: 3p26.1.
Variant type: single nucleotide variant.
Coding change: c.5354G>T on transcript NM_001378452.1 (MANE Select); coding-DNA position 5354, G replaced by T.
Protein change: p.Gly1785Val; replaces glycine 1785 with valine.
Molecular consequence: missense variant.
Genome position (GRCh38, 1-based): chr3:4,735,164, G>T. VCF-style: chr3-4735164-G-T. GRCh37 (hg19) VCF-style: chr3-4776848-G-T.
Other names: c.5210G>T, p.Gly1737Val (NM_001099952.4); c.5309G>T, p.Gly1770Val (NM_001168272.2); c.5165G>T, p.Gly1722Val (NM_002222.7); short protein forms G1722V, G1737V, G1770V, G1785V.
Identifiers: ClinVar variation 1326252 (VCV001326252.7), dbSNP rs200004069, ClinGen allele CA2232318.